The following is an entry in ClinVar:

NM_000550.3(TYRP1):c.1492T>C (p.Ser498Pro)

Genes: LURAP1L-AS1 (LURAP1L antisense RNA 1; minus strand), TYRP1 (tyrosinase related protein 1; plus strand). Cytogenetic location: 9p23.
Variant type: single nucleotide variant.
Coding change: c.1492T>C on transcript NM_000550.3 (MANE Select); coding-DNA position 1492, T replaced by C.
Protein change: p.Ser498Pro; replaces serine 498 with proline.
Molecular consequence: missense variant.
Genome position (GRCh38, 1-based): chr9:12,709,060, T>C. VCF-style: chr9-12709060-T-C. GRCh37 (hg19) VCF-style: chr9-12709060-T-C.
Other names: short protein forms S498P.
Identifiers: ClinVar variation 1398797 (VCV001398797.6), dbSNP rs148777155, ClinGen allele CA4985598.
Genomic context (GRCh38, chr9:12,709,060, plus strand): 5'-ATAATTGCCATAGCAGTAGTTGGCGCTTTGTTACTGGTTGCACTCATTTTTGGGACTGCT[T>C]CTTATCTGATTCGTGCCAGACGCAGTATGGATGAAGCTAACCAGCCTCTCCTCACTGATC-3'
Protein context (NP_000541.1, residues 488-508): LLVALIFGTA[Ser498Pro]YLIRARRSMD

ClinVar aggregate classification (germline): Uncertain significance (1 of 4 stars; one submission).

Allele frequency attached by ClinVar (database versions not stated): gnomAD 0.00005 and 0.00009; ESP Exome Variant Server 0.00008; TOPMed 0.00011; ExAC 0.00012; 1000 Genomes Project 30x 0.00016; 1000 Genomes Project 0.00020.
gnomAD v4.1: 118 of 1,612,864 alleles (0.0073%); highest among the groups gnomAD compares: Non-Finnish European, 0.0086%; no homozygotes.

Submission:

Labcorp Genetics (formerly Invitae), Labcorp
Classification: Uncertain significance. Last evaluated: 2024-10-15. Review status: criteria provided, single submitter. Criteria: Invitae Variant Classification Sherloc (09022015). Collection method: clinical testing. Allele origin: germline.
Comment: This sequence change replaces serine, which is neutral and polar, with proline, which is neutral and non-polar, at codon 498 of the TYRP1 protein (p.Ser498Pro). This variant is present in population databases (rs148777155, gnomAD 0.01%). This variant has not been reported in the literature in individuals affected with TYRP1-related conditions. ClinVar contains an entry for this variant (Variation ID: 1398797). Invitae Evidence Modeling of protein sequence and biophysical properties (such as structural, functional, and spatial information, amino acid conservation, physicochemical variation, residue mobility, and thermodynamic stability) indicates that this missense variant is not expected to disrupt TYRP1 protein function with a negative predictive value of 80%. In summary, the available evidence is currently insufficient to determine the role of this variant in disease. Therefore, it has been classified as a Variant of Uncertain Significance.